The following is an entry in ClinVar:

ClinVar aggregate classification (germline): Uncertain significance (1 of 4 stars; one submission).

gnomAD v4.1: 4 of 1,614,190 alleles (0.00025%); highest among the groups gnomAD compares: Non-Finnish European, 0.00034%; no homozygotes.

Submission:

Labcorp Genetics (formerly Invitae), Labcorp
Classification: Uncertain significance. Last evaluated: 2022-10-24. Review status: criteria provided, single submitter. Criteria: Invitae Variant Classification Sherloc (09022015). Collection method: clinical testing. Allele origin: germline.
Comment: This sequence change replaces tyrosine, which is neutral and polar, with phenylalanine, which is neutral and non-polar, at codon 4477 of the USH2A protein (p.Tyr4477Phe). This variant is not present in population databases (gnomAD no frequency). This variant has not been reported in the literature in individuals affected with USH2A-related conditions. Advanced modeling of protein sequence and biophysical properties (such as structural, functional, and spatial information, amino acid conservation, physicochemical variation, residue mobility, and thermodynamic stability) has been performed at Invitae for this missense variant, however the output from this modeling did not meet the statistical confidence thresholds required to predict the impact of this variant on USH2A protein function. In summary, the available evidence is currently insufficient to determine the role of this variant in disease. Therefore, it has been classified as a Variant of Uncertain Significance.

NM_206933.4(USH2A):c.13430A>T (p.Tyr4477Phe)

Gene: USH2A (usherin; minus strand). Cytogenetic location: 1q41.
Variant type: single nucleotide variant.
Coding change: c.13430A>T on transcript NM_206933.4 (MANE Select); coding-DNA position 13430, A replaced by T.
Protein change: p.Tyr4477Phe; replaces tyrosine 4477 with phenylalanine.
Molecular consequence: missense variant.
Genome position (GRCh38, 1-based): chr1:215,674,481, T>A on the plus strand (A>T on the coding strand, the complement: USH2A is on the minus strand). VCF-style: chr1-215674481-T-A. GRCh37 (hg19) VCF-style: chr1-215847823-T-A.
Other names: short protein forms Y4477F.
Identifiers: ClinVar variation 2140383 (VCV002140383.1), dbSNP rs921800139, ClinGen allele CA344845263.
Genomic context (GRCh38, chr1:215,674,481, plus strand): 5'-AAATCACGATAGCGTGTTTCCAAGCCTGTATATACAATGGTTCCATCCCTCCTAAGTTCA[T>A]AACTTCTGATCTGGCCATTTGGGTTTCTTGGAGGTTTCCAGGTGATTTCTATTGATTCTG-3'
Protein context (NP_996816.3, residues 4467-4487): PRNPNGQIRS[Tyr4477Phe]ELRRDGTIVY